The following is an entry in ClinVar:

ClinVar aggregate classification (germline): other (0 of 4 stars; one submission).

Conditions:
Familial colorectal cancer. Identifiers: MedGen CN280943, MONDO:0023113. Disease mechanism: loss of function.

Submission:

Systems Biology Platform Zhejiang California International NanoSystems Institute
Classification: other for Familial colorectal cancer. Review status: no assertion criteria provided. Collection method: not provided. Allele origin: unknown.
ClinVar note: Converted during submission from cancer to other.

NC_000005.10:g.112851082A>T

Variant type: single nucleotide variant.
Genome position: GRCh38 VCF-style: chr5-112851082-A-T. GRCh37 (hg19) VCF-style: chr5-112186779-A-T.
Identifiers: ClinVar variation 82678 (VCV000082678.3), dbSNP rs80071664, ClinGen allele CA250818.